The following is an entry in ClinVar:

ClinVar aggregate classification (germline): Pathogenic (1 of 4 stars; one submission).

Conditions:
Joubert syndrome and related disorders. Identifiers: Orphanet 140874, MedGen C5679612, MONDO:0015369.

Submission:

Myriad Genetics, Inc.
Classification: Pathogenic for Joubert syndrome and related disorders. Last evaluated: 2024-08-12. Review status: criteria provided, single submitter. Criteria: Myriad Autosomal Dominant, Autosomal Recessive and X-Linked Classification Criteria (2023). Collection method: clinical testing. Allele origin: unknown.
Comment: NM_001080522.2(CC2D2A):c.411delA(E138Nfs*14) is expected to be pathogenic in the context of CC2D2A-related disorders. This variant is predicted to lead to an abnormal or absent protein product due to the creation of a premature termination codon in CC2D2A, a gene where loss-of-function variants are known to be pathogenic. Please note: this variant was assessed in the context of healthy population screening.

NM_001378615.1(CC2D2A):c.411del (p.Glu138fs)

Genes: CC2D2A (coiled-coil and C2 domain containing 2A; plus strand), FBXL5 (F-box and leucine rich repeat protein 5; minus strand). Cytogenetic location: 4p15.32.
Variant type: Deletion.
Coding change: c.411del on transcript NM_001378615.1 (MANE Select); coding-DNA position 411, one base deleted (A; older notation c.411delA).
Protein change: p.Glu138fs; shifts the reading frame from glutamic acid 138.
Molecular consequence: frameshift variant.
Genome position (GRCh38, 1-based): chr4:15,502,896, A deleted; the last of 3 consecutive A bases (chr4:15,502,894-15,502,896); deleting any one gives the same sequence. VCF-style (leftmost placement, unchanged base first): chr4-15502893-GA-G. GRCh37 (hg19) VCF-style: chr4-15504516-GA-G.
Other names: c.411del, p.Glu138fs (NM_001080522.2); c.264del, p.Glu89fs (NM_001378617.1); short protein forms E138fs, E89fs.
Identifiers: ClinVar variation 5013443 (VCV005013443.1).
Genomic context (GRCh38, chr4:15,502,893, plus strand): 5'-AAGTGCATTGCTGCAGGAAATCCCCACTCCTCGGCCCAGACGCTTACGAAGTCCCAGTAA[GA>G]AAGAATTGGAGACTGAATTTGGCACAGAGGTGAGAAATACCCTCTCTACTTTGTGATCAA-3'